The following is an entry in ClinVar:

ClinVar aggregate classification (germline): Uncertain significance (1 of 4 stars; one submission).

Conditions:
Hereditary factor XI deficiency disease. Also called: PLASMA THROMBOPLASTIN ANTECEDENT DEFICIENCY; PTA DEFICIENCY; ROSENTHAL SYNDROME; Congenital factor XI deficiency. Identifiers: Orphanet 329, MedGen C0015523, MeSH D005173, MONDO:0012897, OMIM 612416.

Submission:

Myriad Genetics, Inc.
Classification: Uncertain significance for Hereditary factor XI deficiency disease. Last evaluated: 2026-06-26. Review status: criteria provided, single submitter. Criteria: Myriad Autosomal Dominant, Autosomal Recessive and X-Linked Classification Criteria (2023). Collection method: clinical testing. Allele origin: unknown.
Comment: NM_000128.3(F11):c.884T>G(F295C) is a missense variant classified as a variant of uncertain significance in the context of factor XI deficiency. F295C has been observed in a case with relevant disease (PMID: 36940803). Relevant functional assessments of this variant are not available in the literature. F295C has not been observed in referenced population frequency databases. In summary, there is insufficient evidence to classify NM_000128.3(F11):c.884T>G(F295C) as pathogenic or benign. Please note: this variant was assessed in the context of healthy population screening.

Literature cited by the submitters: PubMed 36940803.

NM_000128.4(F11):c.884T>G (p.Phe295Cys)

Gene: F11 (coagulation factor XI; plus strand). Cytogenetic location: 4q35.2.
Variant type: single nucleotide variant.
Coding change: c.884T>G on transcript NM_000128.4 (MANE Select); coding-DNA position 884, T replaced by G.
Protein change: p.Phe295Cys; replaces phenylalanine 295 with cysteine.
Molecular consequence: missense variant. On other transcripts: intron variant (4).
Genome position (GRCh38, 1-based): chr4:186,280,241, T>G. VCF-style: chr4-186280241-T-G. GRCh37 (hg19) VCF-style: chr4-187201395-T-G.
Other names: c.884T>G, p.Phe295Cys (NM_001440593.1); c.614T>G, p.Phe205Cys (NM_001440605.1, NM_001440607.1); c.866-30T>G (NM_001440590.1, NM_001440596.1); c.596-30T>G (NM_001440606.1, NM_001440608.1); short protein forms F205C, F295C.
Identifiers: ClinVar variation 5003447 (VCV005003447.1).